The following is an entry in ClinVar:

ClinVar aggregate classification (germline): Benign/Likely benign. Review status: criteria provided, multiple submitters, no conflicts (2 of 4 stars). 6 submissions from 6 submitters: Benign (5); Likely benign (1). Last evaluated 2026-02-04.

Conditions:
Jeune thoracic dystrophy. Also called: Short-rib thoracic dysplasia; Jeune syndrome; Infantile thoracic dystrophy; Thoracic pelvic phalangeal dystrophy; Jeune's syndrome; Chondroectodermal dysplasia-like syndrome. Identifiers: Orphanet 474, MedGen C0265275, MONDO:0018770.
Asphyxiating thoracic dystrophy 3. Also called: SHORT-RIB THORACIC DYSPLASIA 3 WITH OR WITHOUT POLYDACTYLY; POLYDACTYLY WITH NEONATAL CHONDRODYSTROPHY, TYPE I; SHORT-RIB THORACIC DYSPLASIA 3/6 WITH POLYDACTYLY, DIGENIC; Short rib polydactyly syndrome 2B; Saldino-Noonan Syndrome. Identifiers: Orphanet 474, Orphanet 93269, Orphanet 93270, Orphanet 93271, MedGen C0036069, MONDO:0013127, OMIM 613091.

Allele frequency attached by ClinVar (database versions not stated): TOPMed 0.03077; gnomAD 0.03138 and 0.03320; ESP Exome Variant Server 0.03227; 1000 Genomes Project 30x 0.03919; gnomAD exomes 0.04119 and 0.04542; 1000 Genomes Project 0.04153; ExAC 0.04314.
gnomAD v4.1: 71,270 of 1,612,950 alleles (4.4%); highest among the groups gnomAD compares: East Asian, 7.6%; 1,778 homozygotes.

Submissions (6):

Labcorp Genetics (formerly Invitae), Labcorp
Classification: Benign for Jeune thoracic dystrophy. Last evaluated: 2026-02-04. Review status: criteria provided, single submitter. Criteria: Invitae Variant Classification Sherloc (09022015). Collection method: clinical testing. Allele origin: germline.

Mayo Clinic Laboratories, Mayo Clinic
Classification: Benign. Last evaluated: 2022-03-09. Review status: criteria provided, single submitter. Criteria: ACMG Guidelines, 2015. Collection method: clinical testing. Allele origin: germline. Observed: 5 variant alleles.

Illumina Laboratory Services, Illumina
Classification: Benign for Asphyxiating thoracic dystrophy 3. Last evaluated: 2018-01-12. Review status: criteria provided, single submitter. Criteria: ICSL Variant Classification Criteria 13 December 2019. Collection method: clinical testing. Allele origin: germline.
Comment: This variant was observed in the ICSL laboratory as part of a predisposition screen in an ostensibly healthy population. It had not been previously curated by ICSL or reported in the Human Gene Mutation Database (HGMD: prior to June 1st, 2018), and was therefore a candidate for classification through an automated scoring system. Utilizing variant allele frequency, disease prevalence and penetrance estimates, and inheritance mode, an automated score was calculated to assess if this variant is too frequent to cause the disease. Based on the score and internal cut-off values, a variant classified as benign is not then subjected to further curation. The score for this variant resulted in a classification of benign for this disease.

GeneDx
Classification: Benign. Last evaluated: 2016-05-19. Review status: criteria provided, single submitter. Criteria: GeneDx Variant Classification (06012015). Collection method: clinical testing. Allele origin: germline. Affected: yes.
Comment: This variant is considered likely benign or benign based on one or more of the following criteria: it is a conservative change, it occurs at a poorly conserved position in the protein, it is predicted to be benign by multiple in silico algorithms, and/or has population frequency not consistent with disease.

Laboratory for Molecular Medicine, Mass General Brigham Personalized Medicine
Classification: Benign. Last evaluated: 2016-03-28. Review status: criteria provided, single submitter. Criteria: LMM Criteria. Collection method: clinical testing. Allele origin: germline.
Comment: Variant identified in a genome or exome case(s) and assessed due to predicted null impact of the variant or pathogenic assertions in the literature or databases. Disclaimer: This variant has not undergone full assessment. The following are preliminary notes: Frequency

Breakthrough Genomics
Classification: Likely benign. Review status: criteria provided, single submitter. Criteria: ACMG Guidelines, 2015. Collection method: not provided. Allele origin: germline. Inheritance: Autosomal recessive inheritance. Affected: yes.

NM_001377.3(DYNC2H1):c.2454G>A (p.Glu818=)

Gene: DYNC2H1 (dynein cytoplasmic 2 heavy chain 1; plus strand). Cytogenetic location: 11q22.3.
Variant type: single nucleotide variant.
Coding change: c.2454G>A on transcript NM_001377.3 (MANE Select); coding-DNA position 2454, G replaced by A.
Protein change: p.Glu818=; no amino-acid change (glutamic acid 818 retained).
Molecular consequence: synonymous variant.
Genome position (GRCh38, 1-based): chr11:103,135,828, G>A. VCF-style: chr11-103135828-G-A. GRCh37 (hg19) VCF-style: chr11-103006557-G-A.
Other names: p.Glu818=; c.2454G>A, p.Glu818= (NM_001080463.2).
Identifiers: ClinVar variation 302018 (VCV000302018.21), dbSNP rs77738279, ClinGen allele CA6253043.